The following is an entry in ClinVar:

ClinVar aggregate classification (germline): Uncertain significance (1 of 4 stars; one submission).

Submission:

Labcorp Genetics (formerly Invitae), Labcorp
Classification: Uncertain significance. Last evaluated: 2022-11-01. Review status: criteria provided, single submitter. Criteria: Invitae Variant Classification Sherloc (09022015). Collection method: clinical testing. Allele origin: germline.
Comment: This variant, c.3570_3590del, results in the deletion of 7 amino acid(s) of the ZNF469 protein (p.Leu1191_Ala1197del), but otherwise preserves the integrity of the reading frame. This variant is not present in population databases (gnomAD no frequency). This variant has not been reported in the literature in individuals affected with ZNF469-related conditions. Experimental studies and prediction algorithms are not available or were not evaluated, and the functional significance of this variant is currently unknown. In summary, the available evidence is currently insufficient to determine the role of this variant in disease. Therefore, it has been classified as a Variant of Uncertain Significance.

NM_001367624.2(ZNF469):c.3654_3674del (p.Leu1219_Ala1225del)

Gene: ZNF469 (zinc finger protein 469; plus strand). Cytogenetic location: 16q24.2.
Variant type: Deletion.
Coding change: c.3654_3674del on transcript NM_001367624.2 (MANE Select); coding-DNA positions 3654 to 3674, 21 bases deleted (GCTGGACTTTCCCCAGGAGGC).
Protein change: p.Leu1219_Ala1225del.
Molecular consequence: inframe deletion.
Genome position (GRCh38, 1-based): chr16:88,431,124-88,431,144, GCTGGACTTTCCCCAGGAGGC deleted; deleting any 21 consecutive bases within chr16:88,431,123-88,431,144 gives the same sequence; the c. name uses the placement nearest the transcript's 3' end. VCF-style (leftmost placement, unchanged base first): chr16-88431122-TCGCTGGACTTTCCCCAGGAGG-T. GRCh37 (hg19) VCF-style: chr16-88497530-TCGCTGGACTTTCCCCAGGAGG-T.
Identifiers: ClinVar variation 1997977 (VCV001997977.4), dbSNP rs2507584359, ClinGen allele CA2580092211.